The following is an entry in ClinVar:

NM_022114.4(PRDM16):c.833G>T (p.Gly278Val)

Gene: PRDM16 (PR/SET domain 16; plus strand). Cytogenetic location: 1p36.32.
Variant type: single nucleotide variant.
Coding change: c.833G>T on transcript NM_022114.4 (MANE Select); coding-DNA position 833, G replaced by T.
Protein change: p.Gly278Val; replaces glycine 278 with valine.
Molecular consequence: missense variant.
Genome position (GRCh38, 1-based): chr1:3,402,947, G>T. VCF-style: chr1-3402947-G-T. GRCh37 (hg19) VCF-style: chr1-3319511-G-T.
Other names: c.833G>T, p.Gly278Val (NM_199454.3); short protein forms G278V.
Identifiers: ClinVar variation 2701830 (VCV002701830.3), dbSNP rs745961678, ClinGen allele CA543969.

ClinVar aggregate classification (germline): Uncertain significance (1 of 4 stars; one submission).

Conditions:
Left ventricular noncompaction 8 (LVNC8). Identifiers: Orphanet 154, Orphanet 54260, MedGen C3809288, MONDO:0014152, OMIM 615373.

Allele frequency attached by ClinVar (database versions not stated): gnomAD exomes below 0.00001; ExAC 0.00001.
gnomAD v4.1: 1 of 1,612,568 alleles (0.000062%); highest among the groups gnomAD compares: South Asian, 0.0011%; no homozygotes.

Submission:

Labcorp Genetics (formerly Invitae), Labcorp
Classification: Uncertain significance for Left ventricular noncompaction 8. Last evaluated: 2023-05-24. Review status: criteria provided, single submitter. Criteria: Invitae Variant Classification Sherloc (09022015). Collection method: clinical testing. Allele origin: germline.
Comment: This sequence change replaces glycine, which is neutral and non-polar, with valine, which is neutral and non-polar, at codon 278 of the PRDM16 protein (p.Gly278Val). This variant is present in population databases (rs745961678, gnomAD 0.003%). This variant has not been reported in the literature in individuals affected with PRDM16-related conditions. An algorithm developed to predict the effect of missense changes on protein structure and function (PolyPhen-2) suggests that this variant is likely to be tolerated. In summary, the available evidence is currently insufficient to determine the role of this variant in disease. Therefore, it has been classified as a Variant of Uncertain Significance.